The following is an entry in ClinVar:

ClinVar aggregate classification (germline): Uncertain significance. Review status: criteria provided, single submitter (1 of 4 stars). 2 submissions from 2 submitters: Uncertain significance (1). 1 of the submissions does not count toward it. Last evaluated 2022-02-18.

Conditions:
Propionic acidemia (PROP). Also called: GLYCINEMIA, KETOTIC; HYPERGLYCINEMIA WITH KETOACIDOSIS AND LEUKOPENIA; KETOTIC HYPERGLYCINEMIA. Identifiers: Orphanet 35, MedGen C0268579, MONDO:0011628, OMIM 606054, HP:0003571.

Submissions (2):

Labcorp Genetics (formerly Invitae), Labcorp
Classification: Uncertain significance for Propionic acidemia. Last evaluated: 2022-02-18. Review status: criteria provided, single submitter. Criteria: Invitae Variant Classification Sherloc (09022015). Collection method: clinical testing. Allele origin: germline.
Comment: This variant, c.12_26del, results in the deletion of 5 amino acid(s) of the PCCB protein (p.Leu5_Ala9del), but otherwise preserves the integrity of the reading frame. This variant is not present in population databases (gnomAD no frequency). This variant has not been reported in the literature in individuals affected with PCCB-related conditions. ClinVar contains an entry for this variant (Variation ID: 551958). In summary, the available evidence is currently insufficient to determine the role of this variant in disease. Therefore, it has been classified as a Variant of Uncertain Significance.

Counsyl
Classification: Uncertain significance for Propionic acidemia. Last evaluated: 2017-05-17. Review status: no assertion criteria provided. Collection method: clinical testing. Allele origin: unknown. Not counted in ClinVar's aggregate classification.

NM_000532.5(PCCB):c.12_26del (p.Leu5_Ala9del)

Gene: PCCB (propionyl-CoA carboxylase subunit beta; plus strand). Cytogenetic location: 3q22.3.
Variant type: Deletion.
Coding change: c.12_26del on transcript NM_000532.5 (MANE Select); coding-DNA positions 12 to 26, 15 bases deleted (ATTACGGGTGGCGGC).
Protein change: p.Leu5_Ala9del.
Molecular consequence: inframe deletion.
Genome position (GRCh38, 1-based): chr3:136,250,387-136,250,401, ATTACGGGTGGCGGC deleted; deleting any 15 consecutive bases within chr3:136,250,381-136,250,401 gives the same sequence; the c. name uses the placement nearest the transcript's 3' end. VCF-style (leftmost placement, unchanged base first): chr3-136250380-CGGCGGCATTACGGGT-C. GRCh37 (hg19) VCF-style: chr3-135969222-CGGCGGCATTACGGGT-C.
Other names: c.12_26del, p.Leu5_Ala9del (NM_001178014.2).
Identifiers: ClinVar variation 551958 (VCV000551958.4), dbSNP rs1553773148, ClinGen allele CA658821350.